The following is an entry in ClinVar:

NM_006379.5(SEMA3C):c.2206A>G (p.Ile736Val)

Gene: SEMA3C (semaphorin 3C; minus strand). Cytogenetic location: 7q21.11.
Variant type: single nucleotide variant.
Coding change: c.2206A>G on transcript NM_006379.5 (MANE Select); coding-DNA position 2206, A replaced by G.
Protein change: p.Ile736Val; replaces isoleucine 736 with valine.
Molecular consequence: missense variant.
Genome position (GRCh38, 1-based): chr7:80,744,944, T>C on the plus strand (A>G on the coding strand, the complement: SEMA3C is on the minus strand). VCF-style: chr7-80744944-T-C. GRCh37 (hg19) VCF-style: chr7-80374260-T-C.
Other names: c.2260A>G (NM_001350120.1); c.2260A>G, p.Ile754Val (NM_001350120.2); c.2032A>G, p.Ile678Val (NM_001350121.2); short protein forms I736V, I754V, I678V.
Identifiers: ClinVar variation 3794037 (VCV003794037.2).

ClinVar aggregate classification (germline): Uncertain significance. Review status: criteria provided, multiple submitters, no conflicts (2 of 4 stars). 2 submissions from 2 submitters: Uncertain significance (2). Last evaluated 2026-02-10.

Conditions:
SEMA3C-related disorder. Also called: SEMA3C-related condition.

gnomAD v4.1: 120 of 1,614,008 alleles (0.0074%); highest among the groups gnomAD compares: Non-Finnish European, 0.0095%; no homozygotes.

Submissions (2):

PreventionGenetics, part of Exact Sciences
Classification: Uncertain significance for SEMA3C-related condition. Last evaluated: 2026-02-10. Review status: criteria provided, single submitter. Criteria: ACMG Guidelines, 2015. Collection method: clinical testing. Allele origin: germline.
Comment: The SEMA3C c.2260A>G variant is predicted to result in the amino acid substitution p.Ile754Val. To our knowledge, this variant has not been reported in the literature. This variant is reported in 0.0085% of alleles in individuals of European (non-Finnish) descent in gnomAD. At this time, the clinical significance of this variant is uncertain due to the absence of conclusive functional and genetic evidence.

Ambry Genetics
Classification: Uncertain significance. Last evaluated: 2025-01-19. Review status: criteria provided, single submitter. Criteria: Ambry Variant Classification Scheme 2023. Collection method: clinical testing. Allele origin: germline.